The following is an entry in ClinVar:

NM_000053.4(ATP7B):c.4174A>G (p.Met1392Val)

Gene: ATP7B (ATPase copper transporting beta; minus strand). Cytogenetic location: 13q14.3.
Variant type: single nucleotide variant.
Coding change: c.4174A>G on transcript NM_000053.4 (MANE Select); coding-DNA position 4174, A replaced by G.
Protein change: p.Met1392Val; replaces methionine 1392 with valine.
Molecular consequence: missense variant.
Genome position (GRCh38, 1-based): chr13:51,934,980, T>C on the plus strand (A>G on the coding strand, the complement: ATP7B is on the minus strand). VCF-style: chr13-51934980-T-C. GRCh37 (hg19) VCF-style: chr13-52509116-T-C.
Other names: c.4078A>G, p.Met1360Val (NM_001406517.1, NM_001406518.1); c.4039A>G, p.Met1347Val (NM_001406519.1); c.4030A>G, p.Met1344Val (NM_001406520.1, NM_001406521.1, NM_001406522.1); c.3991A>G, p.Met1331Val (NM_001406523.1); c.3997A>G, p.Met1333Val (NM_001406524.1); c.3979A>G, p.Met1327Val (NM_001406525.1); c.3970A>G, p.Met1324Val (NM_001406526.1); c.3796A>G, p.Met1266Val (NM_001406538.1); and 21 more; short protein forms M1111V, M1243V, M1266V, M1296V, M1344V, M1360V, M1374V, M1392V.
Identifiers: ClinVar variation 2145138 (VCV002145138.2), dbSNP rs777585988, ClinGen allele CA6988463.

ClinVar aggregate classification (germline): Uncertain significance. Review status: criteria provided, multiple submitters, no conflicts (2 of 4 stars). 2 submissions from 2 submitters: Uncertain significance (2). Last evaluated 2024-02-05.

Conditions:
Wilson disease (WND). Also called: Wilson's disease. Identifiers: Orphanet 905, MedGen C0019202, MONDO:0010200, OMIM 277900. Disease mechanism: loss of function.

Allele frequency attached by ClinVar (database versions not stated): ExAC 0.00001.

Submissions (2):

All of Us Research Program, National Institutes of Health
Classification: Uncertain significance for Wilson disease. Last evaluated: 2024-02-05. Review status: criteria provided, single submitter. Criteria: ACMG Guidelines, 2015. Collection method: clinical testing. Allele origin: germline. Inheritance: Autosomal recessive inheritance. Observed: 5 variant alleles, 5 heterozygotes.
Comment: This missense variant replaces methionine with valine at codon 1392 of the ATP7B protein. Computational prediction suggests that this variant may not impact protein structure and function (internally defined REVEL score threshold <= 0.5, PMID: 27666373). To our knowledge, functional studies have not been reported for this variant. This variant has not been reported in individuals affected with Wilson disease in the literature. This variant has been identified in 2/247480 chromosomes in the general population by the Genome Aggregation Database (gnomAD). The available evidence is insufficient to determine the role of this variant in disease conclusively. Therefore, this variant is classified as a Variant of Uncertain Significance.

This study involves interpretation of variants in research participants for the purpose of population health screening. Participant phenotype was not available at the time of variant classification. Additional details can be found in publication PMID: 35346344, PMCID: PMC8962531

Labcorp Genetics (formerly Invitae), Labcorp
Classification: Uncertain significance for Wilson disease. Last evaluated: 2021-08-27. Review status: criteria provided, single submitter. Criteria: Invitae Variant Classification Sherloc (09022015). Collection method: clinical testing. Allele origin: germline.
Comment: This sequence change replaces methionine with valine at codon 1392 of the ATP7B protein (p.Met1392Val). The methionine residue is moderately conserved and there is a small physicochemical difference between methionine and valine. This variant is present in population databases (rs777585988, ExAC 0.002%). This variant has not been reported in the literature in individuals affected with ATP7B-related conditions. Advanced modeling of protein sequence and biophysical properties (such as structural, functional, and spatial information, amino acid conservation, physicochemical variation, residue mobility, and thermodynamic stability) performed at Invitae indicates that this missense variant is not expected to disrupt ATP7B protein function. In summary, the available evidence is currently insufficient to determine the role of this variant in disease. Therefore, it has been classified as a Variant of Uncertain Significance.